The following is an entry in ClinVar:

ClinVar aggregate classification (germline): Uncertain significance (1 of 4 stars; one submission).

Conditions:
Combined immunodeficiency due to LRBA deficiency. Also called: Common variable immunodeficiency 8, with autoimmunity. Identifiers: Orphanet 445018, MedGen C3553512, MONDO:0013863, OMIM 614700.

Submission:

Labcorp Genetics (formerly Invitae), Labcorp
Classification: Uncertain significance for Combined immunodeficiency due to LRBA deficiency. Last evaluated: 2023-09-29. Review status: criteria provided, single submitter. Criteria: Invitae Variant Classification Sherloc (09022015). Collection method: clinical testing. Allele origin: germline.
Comment: This sequence change replaces alanine, which is neutral and non-polar, with valine, which is neutral and non-polar, at codon 1004 of the LRBA protein (p.Ala1004Val). This variant is not present in population databases (gnomAD no frequency). This variant has not been reported in the literature in individuals affected with LRBA-related conditions. ClinVar contains an entry for this variant (Variation ID: 1923165). Advanced modeling of protein sequence and biophysical properties (such as structural, functional, and spatial information, amino acid conservation, physicochemical variation, residue mobility, and thermodynamic stability) performed at Invitae indicates that this missense variant is not expected to disrupt LRBA protein function. In summary, the available evidence is currently insufficient to determine the role of this variant in disease. Therefore, it has been classified as a Variant of Uncertain Significance.

NM_001364905.1(LRBA):c.3011C>T (p.Ala1004Val)

Gene: LRBA (LPS responsive beige-like anchor protein; minus strand). Cytogenetic location: 4q31.3.
Variant type: single nucleotide variant.
Coding change: c.3011C>T on transcript NM_001364905.1 (MANE Select); coding-DNA position 3011, C replaced by T.
Protein change: p.Ala1004Val; replaces alanine 1004 with valine.
Molecular consequence: missense variant.
Genome position (GRCh38, 1-based): chr4:150,852,699, G>A on the plus strand (C>T on the coding strand, the complement: LRBA is on the minus strand). VCF-style: chr4-150852699-G-A. GRCh37 (hg19) VCF-style: chr4-151773851-G-A.
Other names: c.3011C>T, p.Ala1004Val (NM_001199282.3, NM_001367550.1, NM_006726.5); short protein forms A1004V.
Identifiers: ClinVar variation 1923165 (VCV001923165.3), dbSNP rs2546501992, ClinGen allele CA358460005.
Genomic context (GRCh38, chr4:150,852,699, plus strand): 5'-TCTTGCTCAGCTTTCATTTCTTCATAAGATGTATTAGTAGTTTGCAGTTCAATATTAGAT[G>A]CAGATTCTAGTGAACTTGTCTTCTCTATACTTGAATTTTCATTACCATTTGTGGTGAAAT-3'
Protein context (NP_001351834.1, residues 994-1014): SIEKTSSLES[Ala1004Val]SNIELQTTNT